The following is an entry in ClinVar:

NM_003476.5(CSRP3):c.386C>G (p.Ala129Gly)

Gene: CSRP3 (cysteine and glycine rich protein 3; minus strand). Cytogenetic location: 11p15.1.
Variant type: single nucleotide variant.
Coding change: c.386C>G on transcript NM_003476.5 (MANE Select); coding-DNA position 386, C replaced by G.
Protein change: p.Ala129Gly; replaces alanine 129 with glycine.
Molecular consequence: missense variant.
Genome position (GRCh38, 1-based): chr11:19,186,244, G>C on the plus strand (C>G on the coding strand, the complement: CSRP3 is on the minus strand). VCF-style: chr11-19186244-G-C. GRCh37 (hg19) VCF-style: chr11-19207791-G-C.
Other names: c.217C>G, p.Leu73Val (NM_001369404.1); short protein forms L73V, A129G.
Identifiers: ClinVar variation 1498034 (VCV001498034.6), dbSNP rs760292738, ClinGen allele CA5916561.

ClinVar aggregate classification (germline): Uncertain significance (1 of 4 stars; one submission).

Conditions:
Hypertrophic cardiomyopathy 12. Identifiers: MedGen C2677491, MONDO:0012804, OMIM 612124.
Dilated cardiomyopathy 1M (CMD1M). Identifiers: Orphanet 154, MedGen C1843808, MONDO:0011840, OMIM 607482.

Allele frequency attached by ClinVar (database versions not stated): gnomAD exomes below 0.00001; ExAC 0.00001.
gnomAD v4.1: 1 of 1,614,202 alleles (0.000062%); highest among the groups gnomAD compares: East Asian, 0.0022%; no homozygotes.

Submission:

Labcorp Genetics (formerly Invitae), Labcorp
Classification: Uncertain significance for Hypertrophic cardiomyopathy 12; Dilated cardiomyopathy 1M. Last evaluated: 2021-11-05. Review status: criteria provided, single submitter. Criteria: Invitae Variant Classification Sherloc (09022015). Collection method: clinical testing. Allele origin: germline.
Comment: This sequence change replaces alanine, which is neutral and non-polar, with glycine, which is neutral and non-polar, at codon 129 of the CSRP3 protein (p.Ala129Gly). This variant is present in population databases (rs760292738, gnomAD 0.006%). This variant has not been reported in the literature in individuals affected with CSRP3-related conditions. Algorithms developed to predict the effect of missense changes on protein structure and function are either unavailable or do not agree on the potential impact of this missense change (SIFT: "Deleterious"; PolyPhen-2: "Probably Damaging"; Align-GVGD: "Class C0"). In summary, the available evidence is currently insufficient to determine the role of this variant in disease. Therefore, it has been classified as a Variant of Uncertain Significance.